The following is an entry in ClinVar:

ClinVar aggregate classification (germline): Uncertain significance. Review status: criteria provided, multiple submitters, no conflicts (2 of 4 stars). 2 submissions from 2 submitters: Uncertain significance (2). Last evaluated 2025-07-22.

Conditions:
Hereditary cancer-predisposing syndrome. Also called: Neoplastic Syndromes, Hereditary; Tumor predisposition; Hereditary Cancer Syndrome; Hereditary neoplastic syndrome. Identifiers: Orphanet 140162, MedGen C0027672, MeSH D009386, MONDO:0015356.
Hereditary diffuse gastric adenocarcinoma (HDGC). Also called: DIFFUSE GASTRIC AND LOBULAR BREAST CANCER SYNDROME. Identifiers: Orphanet 26106, MedGen C1708349, MONDO:0007648, OMIM 137215.

Submissions (2):

Ambry Genetics
Classification: Uncertain significance for Hereditary cancer-predisposing syndrome. Last evaluated: 2025-07-22. Review status: criteria provided, single submitter. Criteria: Ambry Variant Classification Scheme 2023. Collection method: clinical testing. Allele origin: germline.
Comment: The c.163+5G>T intronic variant results from a G to T substitution 5 nucleotides after coding exon 2 in the CDH1 gene. This nucleotide position is highly conserved in available vertebrate species. In silico splice site analysis predicts that this alteration will not have any significant effect on splicing. Based on the available evidence, the clinical significance of this variant remains unclear.

Labcorp Genetics (formerly Invitae), Labcorp
Classification: Uncertain significance for Hereditary diffuse gastric adenocarcinoma. Last evaluated: 2025-02-18. Review status: criteria provided, single submitter. Criteria: Invitae Variant Classification Sherloc (09022015). Collection method: clinical testing. Allele origin: germline.
Comment: This sequence change falls in intron 2 of the CDH1 gene. It does not directly change the encoded amino acid sequence of the CDH1 protein. It affects a nucleotide within the consensus splice site. The frequency data for this variant in the population databases is considered unreliable, as metrics indicate poor data quality at this position in the gnomAD database. This variant has not been reported in the literature in individuals affected with CDH1-related conditions. Variants that disrupt the consensus splice site are a relatively common cause of aberrant splicing (PMID: 17576681, 9536098). Algorithms developed to predict the effect of sequence changes on RNA splicing suggest that this variant is not likely to affect RNA splicing. In summary, the available evidence is currently insufficient to determine the role of this variant in disease. Therefore, it has been classified as a Variant of Uncertain Significance.

Literature cited by the submitters: PubMed 17576681 (cited by Labcorp Genetics (formerly Invitae), Labcorp); PubMed 9536098 (cited by Labcorp Genetics (formerly Invitae), Labcorp).

NM_004360.5(CDH1):c.163+5G>T

Gene: CDH1 (cadherin 1; plus strand). Cytogenetic location: 16q22.1.
Variant type: single nucleotide variant.
Coding change: c.163+5G>T on transcript NM_004360.5 (MANE Select); 5 bases into the intron after coding-DNA position 163, G replaced by T.
Molecular consequence: intron variant.
Genome position (GRCh38, 1-based): chr16:68,738,416, G>T. VCF-style: chr16-68738416-G-T. GRCh37 (hg19) VCF-style: chr16-68772319-G-T.
Other names: c.-1453+5G>T (NM_001317185.2); c.-1657+5G>T (NM_001317186.2); c.163+5G>T (NM_001317184.2).
Identifiers: ClinVar variation 4223589 (VCV004223589.2).
Genomic context (GRCh38, chr16:68,738,416, plus strand): 5'-CTACACGTTCACGGTGCCCCGGCGCCACCTGGAGAGAGGCCGCGTCCTGGGCAGAGGTGA[G>T]GGCGCGCTGCCGGTGTCCCTGGGCGGAGTAGGGAGGGGTTGGAAAGGGGCCGAGAAATTG-3'